The following is an entry in ClinVar:

ClinVar aggregate classification (germline): Likely benign. Review status: criteria provided, single submitter (1 of 4 stars). 2 submissions from 2 submitters: Likely benign (1). 1 of the submissions does not count toward it. Last evaluated 2023-12-19.

Conditions:
PCNT-related disorder. Also called: PCNT-related condition.

Allele frequency attached by ClinVar (database versions not stated): TOPMed below 0.00001; gnomAD exomes 0.00001; ExAC 0.00003; gnomAD 0.00003; 1000 Genomes Project 30x 0.00016; 1000 Genomes Project 0.00020.
gnomAD v4.1: 23 of 1,614,162 alleles (0.0014%); highest among the groups gnomAD compares: South Asian, 0.025%; no homozygotes.

Submissions (2):

Labcorp Genetics (formerly Invitae), Labcorp
Classification: Likely benign. Last evaluated: 2023-12-19. Review status: criteria provided, single submitter. Criteria: Invitae Variant Classification Sherloc (09022015). Collection method: clinical testing. Allele origin: germline.

PreventionGenetics, part of Exact Sciences
Classification: Likely benign for PCNT-related condition. Last evaluated: 2022-08-09. Review status: no assertion criteria provided. Collection method: clinical testing. Allele origin: germline. Not counted in ClinVar's aggregate classification.
Comment: This variant is classified as likely benign based on ACMG/AMP sequence variant interpretation guidelines (Richards et al. 2015 PMID: 25741868, with internal and published modifications).

NM_006031.6(PCNT):c.9189C>T (p.Thr3063=)

Gene: PCNT (pericentrin; plus strand). Cytogenetic location: 21q22.3.
Variant type: single nucleotide variant.
Coding change: c.9189C>T on transcript NM_006031.6 (MANE Select); coding-DNA position 9189, C replaced by T.
Protein change: p.Thr3063=; no amino-acid change (threonine 3063 retained).
Molecular consequence: synonymous variant.
Genome position (GRCh38, 1-based): chr21:46,438,253, C>T. VCF-style: chr21-46438253-C-T. GRCh37 (hg19) VCF-style: chr21-47858166-C-T.
Other names: c.8598C>T, p.Thr2866= (NM_001315529.2); c.9189C>T (NM_006031.5).
Identifiers: ClinVar variation 2836953 (VCV002836953.4), dbSNP rs572556197, ClinGen allele CA10081233.